The following is an entry in ClinVar:

ClinVar aggregate classification (germline): Uncertain significance (1 of 4 stars; one submission).

Submission:

Labcorp Genetics (formerly Invitae), Labcorp
Classification: Uncertain significance. Last evaluated: 2024-01-01. Review status: criteria provided, single submitter. Criteria: Invitae Variant Classification Sherloc (09022015). Collection method: clinical testing. Allele origin: germline.
Comment: This sequence change replaces glycine, which is neutral and non-polar, with serine, which is neutral and polar, at codon 228 of the SGMS2 protein (p.Gly228Ser). This variant is present in population databases (rs746307732, gnomAD 0.002%). This variant has not been reported in the literature in individuals affected with SGMS2-related conditions. Advanced modeling of protein sequence and biophysical properties (such as structural, functional, and spatial information, amino acid conservation, physicochemical variation, residue mobility, and thermodynamic stability) performed at Invitae indicates that this missense variant is expected to disrupt SGMS2 protein function with a positive predictive value of 80%. In summary, the available evidence is currently insufficient to determine the role of this variant in disease. Therefore, it has been classified as a Variant of Uncertain Significance.

NM_001375905.1(SGMS2):c.682G>A (p.Gly228Ser)

Genes: CYP2U1-AS1 (CYP2U1 and SGMS2 antisense RNA 1; minus strand), SGMS2 (sphingomyelin synthase 2; plus strand). Cytogenetic location: 4q25.
Variant type: single nucleotide variant.
Coding change: c.682G>A on transcript NM_001375905.1 (MANE Select); coding-DNA position 682, G replaced by A.
Protein change: p.Gly228Ser; replaces glycine 228 with serine.
Molecular consequence: missense variant.
Genome position (GRCh38, 1-based): chr4:107,903,341, G>A. VCF-style: chr4-107903341-G-A. GRCh37 (hg19) VCF-style: chr4-108824497-G-A.
Other names: c.682G>A, p.Gly228Ser (NM_001136257.2, NM_001136258.2, NM_001375906.1 and 4 more transcripts); c.163G>A, p.Gly55Ser (NM_001375911.1); short protein forms G55S, G228S.
Identifiers: ClinVar variation 2794295 (VCV002794295.3), dbSNP rs746307732, ClinGen allele CA3036834.